The following is an entry in ClinVar:

ClinVar aggregate classification (germline): Uncertain significance. Review status: criteria provided, multiple submitters, no conflicts (2 of 4 stars). 2 submissions from 2 submitters: Uncertain significance (2). Last evaluated 2024-10-26.

Conditions:
Retinitis pigmentosa 33 (RP33). Identifiers: Orphanet 791, MedGen C1835895, MONDO:0012477, OMIM 610359.

Submissions (2):

Labcorp Genetics (formerly Invitae), Labcorp
Classification: Uncertain significance. Last evaluated: 2024-10-26. Review status: criteria provided, single submitter. Criteria: Invitae Variant Classification Sherloc (09022015). Collection method: clinical testing. Allele origin: germline.
Comment: This sequence change replaces glutamine, which is neutral and polar, with histidine, which is basic and polar, at codon 860 of the SNRNP200 protein (p.Gln860His). This variant is not present in population databases (gnomAD no frequency). This missense change has been observed in individual(s) with SNRNP200-related conditions (PMID: 36460718). ClinVar contains an entry for this variant (Variation ID: 2015383). Invitae Evidence Modeling of protein sequence and biophysical properties (such as structural, functional, and spatial information, amino acid conservation, physicochemical variation, residue mobility, and thermodynamic stability) has been performed for this missense variant. However, the output from this modeling did not meet the statistical confidence thresholds required to predict the impact of this variant on SNRNP200 protein function. In summary, the available evidence is currently insufficient to determine the role of this variant in disease. Therefore, it has been classified as a Variant of Uncertain Significance.

3billion
Classification: Uncertain significance for Retinitis pigmentosa 33. Last evaluated: 2024-06-12. Review status: criteria provided, single submitter. Criteria: ACMG Guidelines, 2015. Collection method: clinical testing. Allele origin: germline. Affected: yes.
Comment: The variant is not observed in the gnomAD v4.0.0 dataset. Predicted Consequence/Location: Missense changes are a common disease-causing mechanism. In silico tool predictions suggest damaging effect of the variant on gene or gene product [REVEL: 0.92 (>=0.6, sensitivity 0.68 and specificity 0.92); 3Cnet: 0.11 (>=0.6, sensitivity 0.72 and precision 0.9)]. The different nucleotide change resulting in the same amino acid change has been previously reported to be associated with SNRNP200 related disorder(PMID: 36460718). The variant was previously reported as uncertain significant (ClinVar: VCV002015383.2). However, the evidence of pathogenicity is insufficient at this time. Therefore, this variant is classified as VUS according to the recommendation of ACMG/AMP guideline.

Literature cited by the submitters: PubMed 36460718 (cited by Labcorp Genetics (formerly Invitae), Labcorp and 3billion).

NM_014014.5(SNRNP200):c.2580G>T (p.Gln860His)

Gene: SNRNP200 (small nuclear ribonucleoprotein U5 subunit 200; minus strand). Cytogenetic location: 2q11.2.
Variant type: single nucleotide variant.
Coding change: c.2580G>T on transcript NM_014014.5 (MANE Select); coding-DNA position 2580, G replaced by T.
Protein change: p.Gln860His; replaces glutamine 860 with histidine.
Molecular consequence: missense variant.
Genome position (GRCh38, 1-based): chr2:96,290,488, C>A on the plus strand (G>T on the coding strand, the complement: SNRNP200 is on the minus strand). VCF-style: chr2-96290488-C-A. GRCh37 (hg19) VCF-style: chr2-96956226-C-A.
Other names: short protein forms Q860H.
Identifiers: ClinVar variation 2015383 (VCV002015383.5), dbSNP rs146330668, ClinGen allele CA347676794.